The following is an entry in ClinVar:

ClinVar aggregate classification (germline): Uncertain significance. Review status: criteria provided, multiple submitters, no conflicts (2 of 4 stars). 3 submissions from 3 submitters: Uncertain significance (3). Last evaluated 2024-10-13.

Conditions:
Pfeiffer syndrome (ACS5). Also called: ACS V. Identifiers: Orphanet 710, MedGen C0220658, MONDO:0007043, OMIM 101600.
Hypogonadotropic hypogonadism 2 with or without anosmia (HH2). Also called: HYPOGONADOTROPIC HYPOGONADISM 2 WITH OR WITHOUT ANOSMIA, SUSCEPTIBILITY TO; HYPOGONADOTROPIC HYPOGONADISM 2 WITHOUT ANOSMIA, SUSCEPTIBILITY TO; FGFR1-Related GnRH Deficiency (Kallmann Syndrome 2); HYPOGONADOTROPIC HYPOGONADISM 2 WITHOUT ANOSMIA. Identifiers: Orphanet 478, MedGen C1563720, MONDO:0007844, OMIM 147950. Disease mechanism: loss of function.
Hartsfield-Bixler-Demyer syndrome (HRTFDS). Also called: Holoprosencephaly, ectrodactyly, and bilateral cleft lip/palate; Hartsfield syndrome; FGFR1-Related Hartsfield Syndrome. Identifiers: Orphanet 2117, MedGen C1845146, MONDO:0014196, OMIM 615465. Disease mechanism: loss of function.
Trigonocephaly 1 (TRIGNO1). Identifiers: Orphanet 3366, MedGen C0432122, MONDO:0008603, OMIM 190440.
Jackson-Weiss syndrome (JWS). Also called: CRANIOSYNOSTOSIS, MIDFACIAL HYPOPLASIA, AND FOOT ABNORMALITIES. Identifiers: Orphanet 1540, MedGen C0795998, MONDO:0007400, OMIM 123150. Disease mechanism: loss of function.
Encephalocraniocutaneous lipomatosis (ECCL). Identifiers: Orphanet 2396, MedGen C0406612, MONDO:0013074, OMIM 613001.
Osteoglophonic dysplasia (OGD). Also called: Osteoglophonic dwarfism. Identifiers: Orphanet 2645, MedGen C0432283, MONDO:0008150, OMIM 166250.

Allele frequency attached by ClinVar (database versions not stated): gnomAD 0.00001; gnomAD exomes 0.00003; ExAC 0.00006.
gnomAD v4.1: 44 of 1,613,668 alleles (0.0027%); highest among the groups gnomAD compares: South Asian, 0.037%; no homozygotes.

Submissions (3):

Labcorp Genetics (formerly Invitae), Labcorp
Classification: Uncertain significance for Pfeiffer syndrome; Hypogonadotropic hypogonadism 2 with or without anosmia. Last evaluated: 2024-10-13. Review status: criteria provided, single submitter. Criteria: Invitae Variant Classification Sherloc (09022015). Collection method: clinical testing. Allele origin: germline.
Comment: This sequence change replaces arginine, which is basic and polar, with cysteine, which is neutral and slightly polar, at codon 148 of the FGFR1 protein (p.Arg148Cys). This variant is present in population databases (rs780153672, gnomAD 0.02%). This variant has not been reported in the literature in individuals affected with FGFR1-related conditions. ClinVar contains an entry for this variant (Variation ID: 1307808). Invitae Evidence Modeling of protein sequence and biophysical properties (such as structural, functional, and spatial information, amino acid conservation, physicochemical variation, residue mobility, and thermodynamic stability) has been performed for this missense variant. However, the output from this modeling did not meet the statistical confidence thresholds required to predict the impact of this variant on FGFR1 protein function. In summary, the available evidence is currently insufficient to determine the role of this variant in disease. Therefore, it has been classified as a Variant of Uncertain Significance.

GeneDx
Classification: Uncertain significance. Last evaluated: 2022-11-03. Review status: criteria provided, single submitter. Criteria: GeneDx Variant Classification Process June 2021. Collection method: clinical testing. Allele origin: germline. Affected: yes.
Comment: Has not been previously published as pathogenic or benign to our knowledge; In silico analysis, which includes protein predictors and evolutionary conservation, supports that this variant does not alter protein structure/function

Fulgent Genetics
Classification: Uncertain significance for Pfeiffer syndrome; Jackson-Weiss syndrome; Hypogonadotropic hypogonadism 2 with or without anosmia; Osteoglophonic dysplasia; Trigonocephaly 1; Encephalocraniocutaneous lipomatosis; Hartsfield-Bixler-Demyer syndrome. Last evaluated: 2021-12-29. Review status: criteria provided, single submitter. Criteria: ACMG Guidelines, 2015. Collection method: clinical testing. Allele origin: unknown.

NM_023110.3(FGFR1):c.442C>T (p.Arg148Cys)

Gene: FGFR1 (fibroblast growth factor receptor 1; minus strand). Cytogenetic location: 8p11.23.
Variant type: single nucleotide variant.
Coding change: c.442C>T on transcript NM_023110.3 (MANE Select); coding-DNA position 442, C replaced by T.
Protein change: p.Arg148Cys; replaces arginine 148 with cysteine.
Molecular consequence: missense variant.
Genome position (GRCh38, 1-based): chr8:38,428,352, G>A on the plus strand (C>T on the coding strand, the complement: FGFR1 is on the minus strand). VCF-style: chr8-38428352-G-A. GRCh37 (hg19) VCF-style: chr8-38285870-G-A.
Other names: c.442C>T, p.Arg148Cys (NM_001174063.2); c.418C>T, p.Arg140Cys (NM_001174064.2); c.442C>T, p.Pro148Ser (NM_001174065.2, NM_001354367.2, NM_001354369.2 and 1 more transcripts); c.175C>T, p.Arg59Cys (NM_001174066.2, NM_023105.3); c.541C>T, p.Pro181Ser (NM_001174067.2); c.175C>T, p.Pro59Ser (NM_001354368.2, NM_001354370.2, NM_023106.3); short protein forms P148S, P181S, P59S, R140C, R148C, R59C.
Identifiers: ClinVar variation 1307808 (VCV001307808.6), dbSNP rs780153672, ClinGen allele CA4718746.